The following is an entry in ClinVar:

ClinVar aggregate classification (germline): Benign. Review status: criteria provided, multiple submitters, no conflicts (2 of 4 stars). 3 submissions from 3 submitters: Benign (2). 1 of the submissions does not count toward it. Last evaluated 2018-06-18.

Conditions:
TEX15-related disorder. Also called: TEX15-related condition.

Allele frequency attached by ClinVar (database versions not stated): 1000 Genomes Project 0.01078; gnomAD 0.01145 and 0.01235; 1000 Genomes Project 30x 0.01156; TOPMed 0.01272; ESP Exome Variant Server 0.01530.
gnomAD v4.1: 3,381 of 1,612,708 alleles (0.21%); highest among the groups gnomAD compares: African/African-American, 4.1%; 69 homozygotes.

Submissions (3):

Labcorp Genetics (formerly Invitae), Labcorp
Classification: Benign. Last evaluated: 2018-06-18. Review status: criteria provided, single submitter. Criteria: Invitae Variant Classification Sherloc (09022015). Collection method: clinical testing. Allele origin: germline.

Breakthrough Genomics
Classification: Benign. Review status: criteria provided, single submitter. Criteria: ACMG Guidelines, 2015. Collection method: not provided. Allele origin: germline. Inheritance: Autosomal recessive inheritance. Affected: yes.

PreventionGenetics, part of Exact Sciences
Classification: Benign for TEX15-related condition. Last evaluated: 2019-03-19. Review status: no assertion criteria provided. Collection method: clinical testing. Allele origin: germline. Not counted in ClinVar's aggregate classification.
Comment: This variant is classified as benign based on ACMG/AMP sequence variant interpretation guidelines (Richards et al. 2015 PMID: 25741868, with internal and published modifications).

NM_001350162.2(TEX15):c.6552C>T (p.Ser2184=)

Gene: TEX15 (testis expressed 15, meiosis and synapsis associated; minus strand). Cytogenetic location: 8p12.
Variant type: single nucleotide variant.
Coding change: c.6552C>T on transcript NM_001350162.2 (MANE Select); coding-DNA position 6552, C replaced by T.
Protein change: p.Ser2184=; no amino-acid change (serine 2184 retained).
Molecular consequence: synonymous variant.
Genome position (GRCh38, 1-based): chr8:30,843,615, G>A on the plus strand (C>T on the coding strand, the complement: TEX15 is on the minus strand). VCF-style: chr8-30843615-G-A. GRCh37 (hg19) VCF-style: chr8-30701131-G-A.
Other names: c.5403C>T (NM_031271.3).
Identifiers: ClinVar variation 776312 (VCV000776312.6), dbSNP rs61746109, ClinGen allele CA4702663.
Genomic context (GRCh38, chr8:30,843,615, plus strand): 5'-ACTATCTCCAAAGTTAACTCCACAGGTAAATGGAACAGAAAGAGAAAAATCAAAGCAATC[G>A]GAACAATGCTCCATTATGGCTTCACATTCATTAACCTGTCGTTTGTACTTTAAGAATACA-3'
Protein context (NP_001337091.1, residues 2174-2194): NECEAIMEHC[Ser2184=]DCFDFSLSVP